The following is an entry in ClinVar:

NM_018474.6(KIZ):c.1429A>T (p.Asn477Tyr)

Genes: KIZ (kizuna centrosomal protein; plus strand), KIZ-AS1 (KIZ antisense RNA 1; minus strand). Cytogenetic location: 20p11.23.
Variant type: single nucleotide variant.
Coding change: c.1429A>T on transcript NM_018474.6 (MANE Select); coding-DNA position 1429, A replaced by T.
Protein change: p.Asn477Tyr; replaces asparagine 477 with tyrosine.
Molecular consequence: missense variant. On other transcripts: intron variant (2).
Genome position (GRCh38, 1-based): chr20:21,205,567, A>T. VCF-style: chr20-21205567-A-T. GRCh37 (hg19) VCF-style: chr20-21186205-A-T.
Other names: c.1120A>T, p.Asn374Tyr (NM_001163022.3); c.1030A>T, p.Asn344Tyr (NM_001163023.3); c.1282A>T, p.Asn428Tyr (NM_001276389.2); c.1087A>T, p.Asn363Tyr (NM_001352436.2); c.1392+37A>T (NM_001352434.2); c.1083+37A>T (NM_001352435.2); short protein forms N344Y, N363Y, N374Y, N428Y, N477Y.
Identifiers: ClinVar variation 1007578 (VCV001007578.5), dbSNP rs768471324, ClinGen allele CA312984366.

ClinVar aggregate classification (germline): Uncertain significance. Review status: criteria provided, multiple submitters, no conflicts (2 of 4 stars). 2 submissions from 2 submitters: Uncertain significance (2). Last evaluated 2023-12-11.

Allele frequency attached by ClinVar (database versions not stated): gnomAD exomes 0.00001; TOPMed 0.00002.
gnomAD v4.1: 15 of 1,521,218 alleles (0.00099%); highest among the groups gnomAD compares: African/African-American, 0.0014%; no homozygotes.

Submissions (2):

Labcorp Genetics (formerly Invitae), Labcorp
Classification: Uncertain significance. Last evaluated: 2023-12-11. Review status: criteria provided, single submitter. Criteria: Invitae Variant Classification Sherloc (09022015). Collection method: clinical testing. Allele origin: germline.
Comment: This sequence change replaces asparagine with tyrosine at codon 477 of the KIZ protein (p.Asn477Tyr). There is a large physicochemical difference between asparagine and tyrosine. This variant is not present in population databases (gnomAD no frequency). This variant has not been reported in the literature in individuals affected with KIZ-related conditions. ClinVar contains an entry for this variant (Variation ID: 1007578). Experimental studies and prediction algorithms are not available or were not evaluated, and the functional significance of this variant is currently unknown. In summary, the available evidence is currently insufficient to determine the role of this variant in disease. Therefore, it has been classified as a Variant of Uncertain Significance.

Blueprint Genetics
Classification: Uncertain significance. Last evaluated: 2022-09-26. Review status: criteria provided, single submitter. Criteria: ACMG Guidelines, 2015. Collection method: clinical testing. Allele origin: germline.